The following is an entry in ClinVar:

NM_001171.6(ABCC6):c.3184A>G (p.Lys1062Glu)

Gene: ABCC6 (ATP binding cassette subfamily C member 6; minus strand). Cytogenetic location: 16p13.11.
Variant type: single nucleotide variant.
Coding change: c.3184A>G on transcript NM_001171.6 (MANE Select); coding-DNA position 3184, A replaced by G.
Protein change: p.Lys1062Glu; replaces lysine 1062 with glutamic acid.
Molecular consequence: missense variant. On other transcripts: non-coding transcript variant (1).
Genome position (GRCh38, 1-based): chr16:16,165,745, T>C on the plus strand (A>G on the coding strand, the complement: ABCC6 is on the minus strand). VCF-style: chr16-16165745-T-C. GRCh37 (hg19) VCF-style: chr16-16259602-T-C.
Other names: c.2842A>G, p.Lys948Glu (NM_001351800.1); short protein forms K948E, K1062E.
Identifiers: ClinVar variation 1897958 (VCV001897958.3), dbSNP rs377653646, ClinGen allele CA7925665.

ClinVar aggregate classification (germline): Uncertain significance. Review status: criteria provided, multiple submitters, no conflicts (2 of 4 stars). 2 submissions from 2 submitters: Uncertain significance (2). Last evaluated 2024-02-13.

Conditions:
Pseudoxanthoma elasticum, forme fruste. Also called: Pseudoxanthoma Elasticum, Incomplete; PSEUDOXANTHOMA ELASTICUM, HETEROZYGOUS. Identifiers: Orphanet 758, MedGen C1867450, MONDO:0008333, OMIM 177850.
Arterial calcification, generalized, of infancy, 2. Identifiers: Orphanet 51608, MedGen C3276161, MONDO:0013768, OMIM 614473.
Autosomal recessive inherited pseudoxanthoma elasticum (PXE). Identifiers: Orphanet 758, MedGen CN032334, MONDO:0009925, OMIM 264800.

Allele frequency attached by ClinVar (database versions not stated): TOPMed 0.00001; ESP Exome Variant Server 0.00008; ExAC 0.00001; gnomAD 0.00001; gnomAD exomes 0.00001.
gnomAD v4.1: 9 of 1,613,620 alleles (0.00056%); highest among the groups gnomAD compares: Non-Finnish European, 0.000085%; no homozygotes.

Submissions (2):

Fulgent Genetics
Classification: Uncertain significance for Pseudoxanthoma elasticum, forme fruste; Autosomal recessive inherited pseudoxanthoma elasticum; Arterial calcification, generalized, of infancy, 2. Last evaluated: 2024-02-13. Review status: criteria provided, single submitter. Criteria: ACMG Guidelines, 2015. Collection method: clinical testing. Allele origin: germline.

Labcorp Genetics (formerly Invitae), Labcorp
Classification: Uncertain significance. Last evaluated: 2022-06-28. Review status: criteria provided, single submitter. Criteria: Invitae Variant Classification Sherloc (09022015). Collection method: clinical testing. Allele origin: germline.
Comment: This sequence change replaces lysine, which is basic and polar, with glutamic acid, which is acidic and polar, at codon 1062 of the ABCC6 protein (p.Lys1062Glu). This variant is present in population databases (rs377653646, gnomAD 0.03%). This variant has not been reported in the literature in individuals affected with ABCC6-related conditions. Algorithms developed to predict the effect of missense changes on protein structure and function (SIFT, PolyPhen-2, Align-GVGD) all suggest that this variant is likely to be tolerated. In summary, the available evidence is currently insufficient to determine the role of this variant in disease. Therefore, it has been classified as a Variant of Uncertain Significance.